The following is an entry in ClinVar:

ClinVar aggregate classification (germline): Conflicting classifications of pathogenicity. Review status: criteria provided, conflicting classifications (1 of 4 stars). 10 submissions from 10 submitters: Pathogenic (5); Likely pathogenic (3); Uncertain significance (1). 1 of the submissions does not count toward it. Last evaluated 2025-10-13.

Conditions:
Glycine encephalopathy 2 (GCE2). Identifiers: MedGen C5830559, MONDO:0958192, OMIM 620398.
Glycine encephalopathy. Also called: Nonketotic hyperglycinemia; Non-ketotic hyperglycinemia. Identifiers: Orphanet 407, MedGen C0751748, MONDO:0011612, HP:0008288.
Neurodevelopmental delay. Identifiers: MedGen C4022738, HP:0012758.

Submissions (10):

Labcorp Genetics (formerly Invitae), Labcorp
Classification: Pathogenic for Glycine encephalopathy. Last evaluated: 2025-10-13. Review status: criteria provided, single submitter. Criteria: Invitae Variant Classification Sherloc (09022015). Collection method: clinical testing. Allele origin: germline.
Comment: This variant, c.452_466del, results in the deletion of 5 amino acid(s) of the AMT protein (p.Lys151_Leu155del), but otherwise preserves the integrity of the reading frame. This variant is present in population databases (rs386833683, gnomAD 0.006%). This variant has been observed in individual(s) with glycine encephalopathy (PMID: 16450403, 27362913). ClinVar contains an entry for this variant (Variation ID: 56232). Experimental studies and prediction algorithms are not available or were not evaluated, and the functional significance of this variant is currently unknown. For these reasons, this variant has been classified as Pathogenic.

Natera, Inc.
Classification: Likely pathogenic for Non-ketotic hyperglycinemia. Last evaluated: 2025-09-05. Review status: criteria provided, single submitter. Criteria: Natera Variant Classification Schema (03/2026). Collection method: clinical testing. Allele origin: germline.
Comment: The c.452_466delAAGATTTGGCCCTCA variant in AMT is an in-frame deletion. This variant is rare in the general population with a frequency below the threshold expected for the associated phenotype(s). This variant has been observed in one or more individuals affected with the associated recessive disease, as either homozygous or compound heterozygous with a second variant (PMID: 27362913, 16450403). This variant results in a change to the protein length while preserving reading frame, which may disrupt normal protein structure or function. Given the available evidence, this variant is classified as Likely Pathogenic.

Laboratory of Genetics, Children's Clinical University Hospital Latvia
Classification: Pathogenic. Last evaluated: 2025-02-16. Review status: criteria provided, single submitter. Criteria: ACMG Guidelines, 2015. Collection method: clinical testing. Allele origin: germline. Affected: yes.

Fulgent Genetics
Classification: Likely pathogenic for Glycine encephalopathy 2. Last evaluated: 2024-06-05. Review status: criteria provided, single submitter. Criteria: ACMG Guidelines, 2015. Collection method: clinical testing. Allele origin: germline.

Laboratory of Medical Genetics, National & Kapodistrian University of Athens
Classification: Pathogenic for Glycine encephalopathy 2. Last evaluated: 2024-02-01. Review status: criteria provided, single submitter. Criteria: ACMG Guidelines, 2015. Collection method: curation. Allele origin: germline. Affected: no.

Blueprint Genetics
Classification: Uncertain significance. Last evaluated: 2023-09-07. Review status: criteria provided, single submitter. Criteria: ACMG Guidelines, 2015. Collection method: clinical testing. Allele origin: germline.

Revvity Omics, Revvity
Classification: Likely pathogenic for Glycine encephalopathy 2. Last evaluated: 2020-10-10. Review status: criteria provided, single submitter. Criteria: ACMG Guidelines, 2015. Collection method: clinical testing. Allele origin: germline.

CeGaT Center for Human Genetics Tuebingen
Classification: Pathogenic. Last evaluated: 2018-01-01. Review status: criteria provided, single submitter. Criteria: CeGaT Center For Human Genetics Tuebingen Variant Classification Criteria Version 2. Collection method: clinical testing. Allele origin: germline. Affected: yes. Observed: 3 variant alleles.

Centre de Biologie Pathologie Génétique, Centre Hospitalier Universitaire de Lille
Classification: Pathogenic for Neurodevelopmental delay. Review status: criteria provided, single submitter. Criteria: ACMG Guidelines, 2015. Collection method: clinical testing. Allele origin: unknown. Affected: yes.

Juha Muilu Group; Institute for Molecular Medicine Finland (FIMM)
Classification: Likely pathogenic for Non-ketotic hyperglycinemia. Review status: no assertion criteria provided. Collection method: not provided. Allele origin: unknown. Not counted in ClinVar's aggregate classification.
Comment: FinDis database variant: This variant was not found or characterized by our laboratory, data were collected from public sources: see reference
ClinVar note: Converted during submission from probable-pathogenic to Likely pathogenic.

Literature cited by the submitters: PubMed 16450403 (cited by Labcorp Genetics (formerly Invitae), Labcorp and Natera, Inc.); PubMed 27362913 (cited by Labcorp Genetics (formerly Invitae), Labcorp and Natera, Inc.).

NM_000481.4(AMT):c.452_466del (p.Lys151_Leu155del)

Gene: AMT (aminomethyltransferase; minus strand). Cytogenetic location: 3p21.31.
Variant type: Deletion.
Coding change: c.452_466del on transcript NM_000481.4 (MANE Select); coding-DNA positions 452 to 466, 15 bases deleted (AAGATTTGGCCCTCA).
Protein change: p.Lys151_Leu155del.
Molecular consequence: inframe deletion. On other transcripts: non-coding transcript variant (1), intron variant (1).
Genome position (GRCh38, 1-based): chr3:49,420,216-49,420,230, TGAGGGCCAAATCTT deleted on the plus strand (AAGATTTGGCCCTCA on the coding strand, the reverse complement: AMT is on the minus strand); deleting any 15 consecutive bases within chr3:49,420,216-49,420,231 gives the same sequence; the c. name uses the placement nearest the transcript's 3' end. VCF-style (leftmost placement, unchanged base first): chr3-49420215-ATGAGGGCCAAATCTT-A. GRCh37 (hg19) VCF-style: chr3-49457648-ATGAGGGCCAAATCTT-A.
Other names: c.284_298del, p.Lys95_Leu99del (NM_001164711.2); c.452_466del, p.Lys151_Leu155del (NM_001164712.2); c.340-442_340-428del (NM_001164710.2); c.452_466delAAGATTTGGCCCTCA (NM_000481.3).
Identifiers: ClinVar variation 56232 (VCV000056232.64), dbSNP rs386833683, ClinGen allele CA263575.